The following is an entry in ClinVar:

NM_153704.6(TMEM67):c.2197T>C (p.Tyr733His)

Gene: TMEM67 (transmembrane protein 67; plus strand). Cytogenetic location: 8q22.1.
Variant type: single nucleotide variant.
Coding change: c.2197T>C on transcript NM_153704.6 (MANE Select); coding-DNA position 2197, T replaced by C.
Protein change: p.Tyr733His; replaces tyrosine 733 with histidine.
Molecular consequence: missense variant. On other transcripts: non-coding transcript variant (1).
Genome position (GRCh38, 1-based): chr8:93,799,714, T>C. VCF-style: chr8-93799714-T-C. GRCh37 (hg19) VCF-style: chr8-94811942-T-C.
Other names: c.1954T>C, p.Tyr652His (NM_001142301.1); short protein forms Y733H, Y652H.
Identifiers: ClinVar variation 3595994 (VCV003595994.2).

ClinVar aggregate classification (germline): Uncertain significance. Review status: criteria provided, multiple submitters, no conflicts (2 of 4 stars). 2 submissions from 2 submitters: Uncertain significance (2). Last evaluated 2025-08-19.

Conditions:
TMEM67-related disorder. Also called: TMEM67-related condition; TMEM67-related disorders. Identifiers: MedGen CN239423.
Nephronophthisis 11 (NPHP11). Identifiers: Orphanet 84081, MedGen C3150796, MONDO:0013302, OMIM 613550.
RHYNS syndrome. Also called: RETINITIS PIGMENTOSA SYNDROME; RETINITIS PIGMENTOSA, HYPOPITUITARISM, NEPHRONOPHTHISIS, AND MILD SKELETAL DYSPLASIA. Identifiers: Orphanet 140976, MedGen C1865794, MONDO:0011202, OMIM 602152.
COACH syndrome 1. Identifiers: Orphanet 1454, MedGen C5435651, MONDO:0800103, OMIM 216360, MONDO:0008996.
Joubert syndrome 6 (JBTS6). Identifiers: Orphanet 475, MedGen C1853153, MONDO:0012539, OMIM 610688.
Meckel syndrome, type 3 (MKS3). Also called: MECKEL-GRUBER SYNDROME, TYPE 3. Identifiers: Orphanet 564, MedGen C1846357, MONDO:0011821, OMIM 607361.
Bardet-Biedl syndrome 14 (BBS14). Identifiers: Orphanet 110, MedGen C2673874, MONDO:0014442, OMIM 615991.

gnomAD v4.1: 3 of 1,613,158 alleles (0.00019%); highest among the groups gnomAD compares: African/African-American, 0.004%; no homozygotes.

Submissions (2):

PreventionGenetics, part of Exact Sciences
Classification: Uncertain significance for TMEM67-related condition. Last evaluated: 2025-08-19. Review status: criteria provided, single submitter. Criteria: ACMG Guidelines, 2015. Collection method: clinical testing. Allele origin: germline.
Comment: The TMEM67 c.2197T>C variant is predicted to result in the amino acid substitution p.Tyr733His. To our knowledge, this variant has not been reported in the literature. This variant is reported in 0.012% of alleles in individuals of African descent in gnomAD. At this time, the clinical significance of this variant is uncertain due to the absence of conclusive functional and genetic evidence.

Fulgent Genetics
Classification: Uncertain significance for COACH syndrome 1; RHYNS syndrome; Meckel syndrome, type 3; Joubert syndrome 6; Nephronophthisis 11; Bardet-Biedl syndrome 14. Last evaluated: 2024-06-04. Review status: criteria provided, single submitter. Criteria: ACMG Guidelines, 2015. Collection method: clinical testing. Allele origin: germline.